The following is an entry in ClinVar:

ClinVar aggregate classification (germline): Uncertain significance (1 of 4 stars; one submission).

Conditions:
Spastic paraplegia 30B, autosomal recessive. Identifiers: MedGen C5935571, MONDO:0971149, OMIM 620607.
Spastic paraplegia 30A, autosomal dominant. Identifiers: MedGen CN380650, MONDO:0700307, OMIM 610357.
Neuropathy, hereditary sensory, type 2C. Also called: Hereditary sensory and autonomic neuropathy type IIC; KIF1A-Related HSAN2 (HSAN2C). Identifiers: Orphanet 970, MedGen C3280168, MONDO:0013634, OMIM 614213.
Intellectual disability, autosomal dominant 9 (NESCAVS). Also called: KIF1A-Related Neurodevelopmental Disorder; NESCAV SYNDROME. Identifiers: Orphanet 662367, MedGen C5393830, MONDO:0013656, OMIM 614255.

Submission:

Juno Genomics, Hangzhou Juno Genomics, Inc
Classification: Uncertain significance for Intellectual disability, autosomal dominant 9; Neuropathy, hereditary sensory, type 2C; Spastic paraplegia 30A, autosomal dominant; Spastic paraplegia 30B, autosomal recessive. Review status: criteria provided, single submitter. Criteria: ACMG Guidelines, 2015. Collection method: clinical testing. Allele origin: germline.
Comment: Absent from controls (or at extremely low frequency if recessive) in Genome Aggregation Database.;Multiple lines of computational evidence support a deleterious effect on the gene or gene product.;Missense variant in a gene that has a low rate of benign missense variation.

NM_001244008.2(KIF1A):c.3766G>A (p.Val1256Met)

Genes: KIF1A (kinesin family member 1A; minus strand), LOC126806583 (P300/CBP strongly-dependent group 1 enhancer GRCh37_chr2:241678910-241680109; plus strand). Cytogenetic location: 2q37.3.
Variant type: single nucleotide variant.
Coding change: c.3766G>A on transcript NM_001244008.2 (MANE Select); coding-DNA position 3766, G replaced by A.
Protein change: p.Val1256Met; replaces valine 1256 with methionine.
Molecular consequence: missense variant.
Genome position (GRCh38, 1-based): chr2:240,740,348, C>T on the plus strand (G>A on the coding strand, the complement: KIF1A is on the minus strand). VCF-style: chr2-240740348-C-T. GRCh37 (hg19) VCF-style: chr2-241679765-C-T.
Other names: c.3490G>A, p.Val1164Met (NM_001320705.2, NM_001330289.2, NM_001379638.1); c.3565G>A, p.Val1189Met (NM_001330290.2, NM_001379634.1, NM_001379635.1 and 1 more transcripts); c.3841G>A, p.Val1281Met (NM_001379631.1); c.3715G>A, p.Val1239Met (NM_001379632.1); c.3739G>A, p.Val1247Met (NM_001379633.1, NM_001379642.1, NM_001379645.1); c.3463G>A, p.Val1155Met (NM_001379636.1, NM_001379639.1, NM_001379641.1 and 5 more transcripts); c.3538G>A, p.Val1180Met (NM_001379637.1, NM_001379648.1); c.3460G>A, p.Val1154Met (NM_001379640.1); short protein forms V1154M, V1155M, V1164M, V1180M, V1189M, V1239M, V1247M, V1256M.
Identifiers: ClinVar variation 5019528 (VCV005019528.2).